The following is an entry in ClinVar:

ClinVar aggregate classification (germline): Likely benign. Review status: criteria provided, single submitter (1 of 4 stars). 2 submissions from 2 submitters: Likely benign (1). 1 of the submissions does not count toward it. Last evaluated 2025-11-10.

Conditions:
TTLL5-related disorder. Also called: TTLL5-related condition.

Submissions (2):

Labcorp Genetics (formerly Invitae), Labcorp
Classification: Likely benign. Last evaluated: 2025-11-10. Review status: criteria provided, single submitter. Criteria: Invitae Variant Classification Sherloc (09022015). Collection method: clinical testing. Allele origin: germline.

PreventionGenetics, part of Exact Sciences
Classification: Likely benign for TTLL5-related condition. Last evaluated: 2019-07-11. Review status: no assertion criteria provided. Collection method: clinical testing. Allele origin: germline. Not counted in ClinVar's aggregate classification.
Comment: This variant is classified as likely benign based on ACMG/AMP sequence variant interpretation guidelines (Richards et al. 2015 PMID: 25741868, with internal and published modifications).

NM_015072.5(TTLL5):c.1464A>G (p.Thr488=)

Gene: TTLL5 (tubulin tyrosine ligase like 5; plus strand). Cytogenetic location: 14q24.3.
Variant type: single nucleotide variant.
Coding change: c.1464A>G on transcript NM_015072.5 (MANE Select); coding-DNA position 1464, A replaced by G.
Protein change: p.Thr488=; no amino-acid change (threonine 488 retained).
Molecular consequence: synonymous variant.
Genome position (GRCh38, 1-based): chr14:75,745,558, A>G. VCF-style: chr14-75745558-A-G. GRCh37 (hg19) VCF-style: chr14-76211901-A-G.
Other names: c.1464A>G (NM_015072.4).
Identifiers: ClinVar variation 1120510 (VCV001120510.11), dbSNP rs1186595068, ClinGen allele CA487188240.
Genomic context (GRCh38, chr14:75,745,558, plus strand): 5'-TTTACGAAGGGTGAAGGAGGAGAATGATCGGCGAGGTGGATTTATTCGCATATTTCCTAC[A>G]TCTGAGACATGGGAAATATATGGGTGAGGTGACTACCTTTTTTTTTTATTCTTTACCTGA-3'
Protein context (NP_055887.3, residues 478-498): RRGGFIRIFP[Thr488=]SETWEIYGSY